The following is an entry in ClinVar:

ClinVar aggregate classification (germline): Uncertain significance (1 of 4 stars; one submission).

Submission:

Labcorp Genetics (formerly Invitae), Labcorp
Classification: Uncertain significance. Last evaluated: 2022-02-21. Review status: criteria provided, single submitter. Criteria: Invitae Variant Classification Sherloc (09022015). Collection method: clinical testing. Allele origin: germline.
Comment: This sequence change replaces glutamine, which is neutral and polar, with histidine, which is basic and polar, at codon 370 of the TYMP protein (p.Gln370His). Information on the frequency of this variant in the gnomAD database is not available, as this variant may be reported differently in the database. This variant has not been reported in the literature in individuals affected with TYMP-related conditions. Experimental studies and prediction algorithms are not available or were not evaluated, and the functional significance of this variant is currently unknown. In summary, the available evidence is currently insufficient to determine the role of this variant in disease. Therefore, it has been classified as a Variant of Uncertain Significance.

NM_001953.5(TYMP):c.1110_1111delinsTT (p.Gln370His)

Genes: SCO2 (synthesis of cytochrome C oxidase 2; minus strand), TYMP (thymidine phosphorylase; minus strand), LOC130067862 (ATAC-STARR-seq lymphoblastoid silent region 13986; plus strand). Cytogenetic location: 22q13.33.
Variant type: Indel.
Coding change: c.1110_1111delinsTT on transcript NM_001953.5 (MANE Select); coding-DNA positions 1110 to 1111, GC replaced by TT.
Protein change: p.Gln370His; replaces glutamine 370 with histidine.
Molecular consequence: missense variant. On other transcripts: 5 prime UTR variant (1).
Genome position (GRCh38, 1-based): chr22:50,526,294-50,526,295, GC replaced by AA on the plus strand (GC replaced by TT on the coding strand, the reverse complement: TYMP is on the minus strand). VCF-style: chr22-50526294-GC-AA. GRCh37 (hg19) VCF-style: chr22-50964723-GC-AA.
Other names: c.1110_1111delinsTT, p.Gln370His (NM_001113755.3, NM_001113756.3, NM_001257988.1 and 1 more transcripts); c.-63_-62delinsTT (NM_001169109.2); short protein forms Q370H.
Identifiers: ClinVar variation 2200579 (VCV002200579.1), dbSNP rs2522511593, ClinGen allele CA2580099975.